The following is an entry in ClinVar:

NM_000404.4(GLB1):c.617G>A (p.Arg206His)

Gene: GLB1 (galactosidase beta 1; minus strand). Cytogenetic location: 3p22.3.
Variant type: single nucleotide variant.
Coding change: c.617G>A on transcript NM_000404.4 (MANE Select); coding-DNA position 617, G replaced by A.
Protein change: p.Arg206His; replaces arginine 206 with histidine.
Molecular consequence: missense variant. On other transcripts: intron variant (1).
Genome position (GRCh38, 1-based): chr3:33,058,205, C>T on the plus strand (G>A on the coding strand, the complement: GLB1 is on the minus strand). VCF-style: chr3-33058205-C-T. GRCh37 (hg19) VCF-style: chr3-33099697-C-T.
Other names: c.527G>A, p.Arg176His (NM_001079811.3); c.761G>A, p.Arg254His (NM_001317040.2); c.617G>A, p.Arg206His (NM_001393580.1); c.341-4656G>A (NM_001135602.3); short protein forms R176H, R206H, R254H.
Identifiers: ClinVar variation 2163947 (VCV002163947.4), dbSNP rs552709460, ClinGen allele CA2299645.

ClinVar aggregate classification (germline): Uncertain significance (1 of 4 stars; one submission).

Conditions:
Mucopolysaccharidosis, MPS-IV-B (MPS4B). Also called: Mucopolysaccharidosis type IV B; Mucopolysaccharidosis Type IVB; Mucopolysaccharidosis type IVB (Morquio); MPS IVB; MORQUIO SYNDROME B; Mucopolysaccharidosis Type IVB (Morquio B Disease). Identifiers: Orphanet 309310, Orphanet 582, MedGen C0086652, MONDO:0009660, OMIM 253010.
GM1 gangliosidosis. Identifiers: Orphanet 354, MedGen C0085131, MONDO:0018149.

Allele frequency attached by ClinVar (database versions not stated): ExAC 0.00001; gnomAD exomes 0.00001.

Submission:

Labcorp Genetics (formerly Invitae), Labcorp
Classification: Uncertain significance for Mucopolysaccharidosis, MPS-IV-B; GM1 gangliosidosis. Last evaluated: 2022-08-02. Review status: criteria provided, single submitter. Criteria: Invitae Variant Classification Sherloc (09022015). Collection method: clinical testing. Allele origin: germline.
Comment: In summary, the available evidence is currently insufficient to determine the role of this variant in disease. Therefore, it has been classified as a Variant of Uncertain Significance. Advanced modeling of protein sequence and biophysical properties (such as structural, functional, and spatial information, amino acid conservation, physicochemical variation, residue mobility, and thermodynamic stability) performed at Invitae indicates that this missense variant is not expected to disrupt GLB1 protein function. This variant has not been reported in the literature in individuals affected with GLB1-related conditions. This variant is present in population databases (rs552709460, gnomAD 0.006%). This sequence change replaces arginine, which is basic and polar, with histidine, which is basic and polar, at codon 206 of the GLB1 protein (p.Arg206His).